The following is an entry in ClinVar:

NM_006270.5(RRAS):c.79A>T (p.Ser27Cys)

Gene: RRAS (RAS related; minus strand). Cytogenetic location: 19q13.33.
Variant type: single nucleotide variant.
Coding change: c.79A>T on transcript NM_006270.5 (MANE Select); coding-DNA position 79, A replaced by T.
Protein change: p.Ser27Cys; replaces serine 27 with cysteine.
Molecular consequence: missense variant.
Genome position (GRCh38, 1-based): chr19:49,640,020, T>A on the plus strand (A>T on the coding strand, the complement: RRAS is on the minus strand). VCF-style: chr19-49640020-T-A. GRCh37 (hg19) VCF-style: chr19-50143277-T-A.
Other names: short protein forms S27C.
Identifiers: ClinVar variation 3225528 (VCV003225528.1), dbSNP rs2513709630, ClinGen allele CA406849812.

ClinVar aggregate classification (germline): Uncertain significance (1 of 4 stars; one submission).

Submission:

Ambry Genetics
Classification: Uncertain significance. Last evaluated: 2023-12-23. Review status: criteria provided, single submitter. Criteria: Ambry Variant Classification Scheme 2023. Collection method: clinical testing. Allele origin: germline.
Comment: The p.S27C variant (also known as c.79A>T), located in coding exon 1 of the RRAS gene, results from an A to T substitution at nucleotide position 79. The serine at codon 27 is replaced by cysteine, an amino acid with dissimilar properties. This amino acid position is conserved. In addition, this alteration is predicted to be tolerated by in silico analysis. Since supporting evidence is limited at this time, the clinical significance of this alteration remains unclear.